The following is an entry in ClinVar:

NM_005739.4(RASGRP1):c.1162A>C (p.Asn388His)

Gene: RASGRP1 (RAS guanyl releasing protein 1; minus strand). Cytogenetic location: 15q14.
Variant type: single nucleotide variant.
Coding change: c.1162A>C on transcript NM_005739.4 (MANE Select); coding-DNA position 1162, A replaced by C.
Protein change: p.Asn388His; replaces asparagine 388 with histidine.
Molecular consequence: missense variant.
Genome position (GRCh38, 1-based): chr15:38,507,806, T>G on the plus strand (A>C on the coding strand, the complement: RASGRP1 is on the minus strand). VCF-style: chr15-38507806-T-G. GRCh37 (hg19) VCF-style: chr15-38800007-T-G.
Other names: c.1162A>C, p.Asn388His (NM_001128602.2, NM_001306086.2); short protein forms N388H.
Identifiers: ClinVar variation 2881262 (VCV002881262.3), dbSNP rs368147450, ClinGen allele CA7470950.

ClinVar aggregate classification (germline): Uncertain significance (1 of 4 stars; one submission).

Allele frequency attached by ClinVar (database versions not stated): ExAC 0.00001; ESP Exome Variant Server 0.00008.
gnomAD v4.1: 5 of 1,612,294 alleles (0.00031%); highest among the groups gnomAD compares: Non-Finnish European, 0.00042%; no homozygotes.

Submission:

Labcorp Genetics (formerly Invitae), Labcorp
Classification: Uncertain significance. Last evaluated: 2023-02-05. Review status: criteria provided, single submitter. Criteria: Invitae Variant Classification Sherloc (09022015). Collection method: clinical testing. Allele origin: germline.
Comment: In summary, the available evidence is currently insufficient to determine the role of this variant in disease. Therefore, it has been classified as a Variant of Uncertain Significance. Advanced modeling of protein sequence and biophysical properties (such as structural, functional, and spatial information, amino acid conservation, physicochemical variation, residue mobility, and thermodynamic stability) performed at Invitae indicates that this missense variant is not expected to disrupt RASGRP1 protein function. This variant has not been reported in the literature in individuals affected with RASGRP1-related conditions. This variant is present in population databases (rs368147450, gnomAD 0.002%). This sequence change replaces asparagine, which is neutral and polar, with histidine, which is basic and polar, at codon 388 of the RASGRP1 protein (p.Asn388His).